The following is an entry in ClinVar:

ClinVar aggregate classification (germline): Uncertain significance (1 of 4 stars; one submission).

Conditions:
CHARGE syndrome (CHARGE). Also called: Hittner Hirsch Kreh syndrome; CHARGE ASSOCIATION--COLOBOMA, HEART ANOMALY, CHOANAL ATRESIA, RETARDATION, GENITAL AND EAR ANOMALIES; Coloboma, heart anomaly, choanal atresia, retardation, genital and ear anomalies; CHARGE association; Hall-Hittner syndrome. Identifiers: Orphanet 138, MedGen C0265354, MONDO:0008965.

Allele frequency attached by ClinVar (database versions not stated): TOPMed below 0.00001.

Submission:

Labcorp Genetics (formerly Invitae), Labcorp
Classification: Uncertain significance for CHARGE syndrome. Last evaluated: 2022-12-27. Review status: criteria provided, single submitter. Criteria: Invitae Variant Classification Sherloc (09022015). Collection method: clinical testing. Allele origin: germline.
Comment: In summary, the available evidence is currently insufficient to determine the role of this variant in disease. Therefore, it has been classified as a Variant of Uncertain Significance. Advanced modeling of protein sequence and biophysical properties (such as structural, functional, and spatial information, amino acid conservation, physicochemical variation, residue mobility, and thermodynamic stability) performed at Invitae indicates that this missense variant is not expected to disrupt CHD7 protein function. This variant has not been reported in the literature in individuals affected with CHD7-related conditions. This variant is not present in population databases (gnomAD no frequency). This sequence change replaces proline, which is neutral and non-polar, with serine, which is neutral and polar, at codon 366 of the CHD7 protein (p.Pro366Ser).

NM_017780.4(CHD7):c.1096C>T (p.Pro366Ser)

Gene: CHD7 (chromodomain helicase DNA binding protein 7; plus strand). Cytogenetic location: 8q12.2.
Variant type: single nucleotide variant.
Coding change: c.1096C>T on transcript NM_017780.4 (MANE Select); coding-DNA position 1096, C replaced by T.
Protein change: p.Pro366Ser; replaces proline 366 with serine.
Molecular consequence: missense variant.
Genome position (GRCh38, 1-based): chr8:60,742,528, C>T. VCF-style: chr8-60742528-C-T. GRCh37 (hg19) VCF-style: chr8-61655087-C-T.
Other names: c.1096C>T, p.Pro366Ser (NM_001316690.1); short protein forms P366S.
Identifiers: ClinVar variation 2908692 (VCV002908692.3), dbSNP rs1809097142, ClinGen allele CA371301316.